The following is an entry in ClinVar:

NM_130384.3(ATRIP):c.1819G>A (p.Val607Ile)

Genes: ATRIP (ATR interacting protein; plus strand), ATRIP-TREX1 (ATRIP-TREX1 readthrough; plus strand). Cytogenetic location: 3p21.31.
Variant type: single nucleotide variant.
Coding change: c.1819G>A on transcript NM_130384.3 (MANE Select); coding-DNA position 1819, G replaced by A.
Protein change: p.Val607Ile; replaces valine 607 with isoleucine.
Molecular consequence: missense variant. On other transcripts: non-coding transcript variant (1).
Genome position (GRCh38, 1-based): chr3:48,463,818, G>A. VCF-style: chr3-48463818-G-A. GRCh37 (hg19) VCF-style: chr3-48505217-G-A.
Other names: c.1438G>A, p.Val480Ile (NM_001271022.2); c.1540G>A, p.Val514Ile (NM_001271023.2); c.1819G>A, p.Val607Ile (NM_032166.4); short protein forms V480I, V514I, V607I.
Identifiers: ClinVar variation 2834629 (VCV002834629.3), dbSNP rs1575286749, ClinGen allele CA352729715.

ClinVar aggregate classification (germline): Uncertain significance (1 of 4 stars; one submission).

gnomAD v4.1: 3 of 1,614,140 alleles (0.00019%); highest among the groups gnomAD compares: Non-Finnish European, 0.00025%; no homozygotes.

Submission:

Labcorp Genetics (formerly Invitae), Labcorp
Classification: Uncertain significance. Last evaluated: 2025-09-02. Review status: criteria provided, single submitter. Criteria: Invitae Variant Classification Sherloc (09022015). Collection method: clinical testing. Allele origin: germline.
Comment: This sequence change replaces valine, which is neutral and non-polar, with isoleucine, which is neutral and non-polar, at codon 607 of the ATRIP protein (p.Val607Ile). This variant is not present in population databases (gnomAD no frequency). This variant has not been reported in the literature in individuals affected with ATRIP-related conditions. ClinVar contains an entry for this variant (Variation ID: 2834629). An algorithm developed to predict the effect of missense changes on protein structure and function outputs the following: PolyPhen-2: "Benign". The isoleucine amino acid residue is found in multiple mammalian species, which suggests that this missense change does not adversely affect protein function. In summary, the available evidence is currently insufficient to determine the role of this variant in disease. Therefore, it has been classified as a Variant of Uncertain Significance.